The following is an entry in ClinVar:

ClinVar aggregate classification (germline): Conflicting classifications of pathogenicity. Review status: criteria provided, conflicting classifications (1 of 4 stars). 10 submissions from 10 submitters: Uncertain significance (3); Likely benign (4). 3 of the submissions do not count toward it. Last evaluated 2026-05-27.

Conditions:
Hereditary cancer-predisposing syndrome. Also called: Hereditary Cancer Syndrome; Tumor predisposition; Neoplastic Syndromes, Hereditary; Hereditary neoplastic syndrome. Identifiers: Orphanet 140162, MedGen C0027672, MeSH D009386, MONDO:0015356.
Hereditary breast ovarian cancer syndrome. Also called: Hereditary breast and ovarian cancer syndrome; Breast and ovarian cancer; Hereditary breast and ovarian cancer; BRCA1- and BRCA2-Associated Hereditary Breast and Ovarian Cancer; Hereditary breast and ovarian cancer syndrome (HBOC); Hereditary breast and/or ovarian cancer syndrome. Identifiers: Orphanet 145, MedGen C0677776, MeSH D061325, MONDO:0003582. Disease mechanism: loss of function.
Breast-ovarian cancer, familial, susceptibility to, 2 (BROVCA2). Also called: BRCA2 Hereditary Breast and Ovarian Cancer. Identifiers: Orphanet 145, MedGen C2675520, MONDO:0012933, OMIM 612555. Disease mechanism: loss of function.

gnomAD v4.1: 6 of 1,613,732 alleles (0.00037%); highest among the groups gnomAD compares: Non-Finnish European, 0.00042%; no homozygotes.

Submissions (10):

Myriad Genetics, Inc.
Classification: Likely benign for Breast-ovarian cancer, familial, susceptibility to, 2. Last evaluated: 2026-05-27. Review status: criteria provided, single submitter. Criteria: Myriad Autosomal Dominant, Autosomal Recessive and X-Linked Classification Criteria (2023). Collection method: clinical testing. Allele origin: unknown.
Comment: This variant is considered likely benign. This variant is strongly associated with less severe personal and family histories of cancer, typical for individuals without pathogenic variants in this gene [PMID: 25085752].

Labcorp Genetics (formerly Invitae), Labcorp
Classification: Uncertain significance for Hereditary breast ovarian cancer syndrome. Last evaluated: 2025-08-10. Review status: criteria provided, single submitter. Criteria: Invitae Variant Classification Sherloc (09022015). Collection method: clinical testing. Allele origin: germline.
Comment: This sequence change replaces proline, which is neutral and non-polar, with threonine, which is neutral and polar, at codon 920 of the BRCA2 protein (p.Pro920Thr). This variant is present in population databases (rs397507293, gnomAD 0.0009%). This missense change has been observed in individual(s) with breast cancer (PMID: 16875939). This variant is also known as 2986C>A. ClinVar contains an entry for this variant (Variation ID: 37800). Invitae Evidence Modeling of protein sequence and biophysical properties (such as structural, functional, and spatial information, amino acid conservation, physicochemical variation, residue mobility, and thermodynamic stability) indicates that this missense variant is not expected to disrupt BRCA2 protein function with a negative predictive value of 95%. In summary, the available evidence is currently insufficient to determine the role of this variant in disease. Therefore, it has been classified as a Variant of Uncertain Significance.

Ambry Genetics
Classification: Likely benign for Hereditary cancer-predisposing syndrome. Last evaluated: 2025-07-18. Review status: criteria provided, single submitter. Criteria: Ambry Variant Classification Scheme 2023. Collection method: clinical testing. Allele origin: germline.

Center for Genomic Medicine, Rigshospitalet, Copenhagen University Hospital
Classification: Likely benign. Last evaluated: 2025-03-04. Review status: criteria provided, single submitter. Criteria: ACMG Guidelines, 2015. Collection method: clinical testing. Allele origin: germline.

Color Diagnostics, LLC DBA Color Health
Classification: Uncertain significance for Hereditary cancer-predisposing syndrome. Last evaluated: 2024-09-10. Review status: criteria provided, single submitter. Criteria: ACMG Guidelines, 2015. Collection method: clinical testing. Allele origin: germline.
Comment: This missense variant replaces proline with threonine at codon 920 of the BRCA2 protein. Computational prediction suggests that this variant may not impact protein structure and function. To our knowledge, functional studies have not been performed for this variant. This variant has been detected in a breast cancer case-control meta-analysis in 1/60466 cases and 1/53461 unaffected individuals (PMID: 33471991; Leiden Open Variation Database DB-ID BRCA2_002553). This variant also has been reported in an individual affected with breast cancer (PMID:16875939). A multifactorial analysis has reported a likelihood ratio for pathogenicity based on personal and family history of 0.521 from log(LR)=-0.282874525 for 1 carrier (PMID: 31853058). This variant has been identified in 1/250768 chromosomes in the general population by the Genome Aggregation Database (gnomAD). The available evidence is insufficient to determine the role of this variant in disease conclusively. Therefore, this variant is classified as a Variant of Uncertain Significance.

University of Washington Department of Laboratory Medicine, University of Washington
Classification: Likely benign for Hereditary cancer-predisposing syndrome. Last evaluated: 2023-03-23. Review status: criteria provided, single submitter. Criteria: Dines et al. (Genet Med. 2020). Collection method: curation. Allele origin: germline.
Comment: Missense variant in a coldspot region where missense variants are very unlikely to be pathogenic (PMID:31911673).

BRCA2 exon 11 coldspot. Reclassification based on statistical prior probability.

GeneDx
Classification: Uncertain significance. Last evaluated: 2023-01-11. Review status: criteria provided, single submitter. Criteria: GeneDx Variant Classification Process June 2021. Collection method: clinical testing. Allele origin: germline. Affected: yes.
Comment: Observed in an individual with a personal and family history of breast cancer (Maillet et al., 2006); In silico analysis supports that this missense variant has a deleterious effect on protein structure/function; Not observed at significant frequency in large population cohorts (gnomAD); Also known as 2986C>A; This variant is associated with the following publications: (PMID: 23929434, 16875939)

Counsyl
Classification: Uncertain significance for Breast-ovarian cancer, familial, susceptibility to, 2. Last evaluated: 2017-11-27. Review status: no assertion criteria provided. Collection method: clinical testing. Allele origin: unknown. Not counted in ClinVar's aggregate classification.

Sharing Clinical Reports Project (SCRP)
Classification: Uncertain significance for Breast-ovarian cancer, familial 2. Last evaluated: 2009-01-21. Review status: no assertion criteria provided. Collection method: clinical testing. Allele origin: germline. Not counted in ClinVar's aggregate classification.

Department of Pathology and Laboratory Medicine, Sinai Health System
Classification: Uncertain significance. Review status: no assertion criteria provided. Collection method: clinical testing. Allele origin: unknown. Affected: yes. Observed: 2 variant alleles. Study: The Canadian Open Genetics Repository (COGR). Not counted in ClinVar's aggregate classification.

Literature cited by the submitters: PubMed 25085752 (cited by Myriad Genetics, Inc.); PubMed 16875939 (cited by 4 submitters); PubMed 31853058 (cited by Color Diagnostics, LLC DBA Color Health); PubMed 33471991 (cited by Color Diagnostics, LLC DBA Color Health).

NM_000059.4(BRCA2):c.2758C>A (p.Pro920Thr)

Gene: BRCA2 (BRCA2 DNA repair associated; plus strand). Cytogenetic location: 13q13.1.
Variant type: single nucleotide variant.
Coding change: c.2758C>A on transcript NM_000059.4 (MANE Select); coding-DNA position 2758, C replaced by A.
Protein change: p.Pro920Thr; replaces proline 920 with threonine.
Molecular consequence: missense variant.
Genome position (GRCh38, 1-based): chr13:32,337,113, C>A. VCF-style: chr13-32337113-C-A. GRCh37 (hg19) VCF-style: chr13-32911250-C-A.
Other names: 2986C>A; short protein forms P920T.
Identifiers: ClinVar variation 37800 (VCV000037800.28), dbSNP rs397507293, ClinGen allele CA016278.